The following is an entry in ClinVar:

NM_004612.4(TGFBR1):c.343+3A>G

Gene: TGFBR1 (transforming growth factor beta receptor 1; plus strand). Cytogenetic location: 9q22.33.
Variant type: single nucleotide variant.
Coding change: c.343+3A>G on transcript NM_004612.4 (MANE Select); 3 bases into the intron after coding-DNA position 343, A replaced by G.
Molecular consequence: intron variant.
Genome position (GRCh38, 1-based): chr9:99,129,103, A>G. VCF-style: chr9-99129103-A-G. GRCh37 (hg19) VCF-style: chr9-101891385-A-G.
Other names: c.343+3A>G (NM_001306210.2, NM_001130916.3).
Identifiers: ClinVar variation 213854 (VCV000213854.19), dbSNP rs374717754, ClinGen allele CA042511.

ClinVar aggregate classification (germline): Conflicting classifications of pathogenicity. Review status: criteria provided, conflicting classifications (1 of 4 stars). 6 submissions from 6 submitters: Uncertain significance (4); Likely benign (2). Last evaluated 2024-10-27.

Conditions:
Loeys-Dietz syndrome (LDS). Identifiers: Orphanet 60030, MedGen C2697932, MONDO:0018954.
Familial thoracic aortic aneurysm and aortic dissection (TAAD). Also called: Thoracic aortic aneurysms and dissections. Identifiers: Orphanet 91387, MedGen C4707243, MONDO:0019625.

Allele frequency attached by ClinVar (database versions not stated): gnomAD exomes 0.00001 and 0.00002; gnomAD 0.00002; ExAC 0.00001; TOPMed 0.00001; ESP Exome Variant Server 0.00008.
gnomAD v4.1: 32 of 1,613,606 alleles (0.002%); highest among the groups gnomAD compares: Non-Finnish European, 0.0024%; no homozygotes.

Submissions (6):

Ambry Genetics
Classification: Uncertain significance for Familial thoracic aortic aneurysm and aortic dissection. Last evaluated: 2024-10-27. Review status: criteria provided, single submitter. Criteria: Ambry Variant Classification Scheme 2023. Collection method: clinical testing. Allele origin: germline.
Comment: The c.343+3A>G intronic variant results from an A to G substitution 3 nucleotides after coding exon 2 in the TGFBR1 gene. This nucleotide position is highly conserved in available vertebrate species. In silico splice site analysis predicts that this alteration will not have any significant effect on splicing. Since supporting evidence is limited at this time, the clinical significance of this alteration remains unclear.

All of Us Research Program, National Institutes of Health
Classification: Likely benign for Loeys-Dietz syndrome. Last evaluated: 2023-12-14. Review status: criteria provided, single submitter. Criteria: ACMG Guidelines, 2015. Collection method: clinical testing. Allele origin: germline. Inheritance: Autosomal dominant inheritance. Observed: 6 variant alleles, 6 heterozygotes.
Comment: This study involves interpretation of variants in research participants for the purpose of population health screening. Participant phenotype was not available at the time of variant classification. Additional details can be found in publication PMID: 35346344, PMCID: PMC8962531

Labcorp Genetics (formerly Invitae), Labcorp
Classification: Uncertain significance for Familial thoracic aortic aneurysm and aortic dissection. Last evaluated: 2023-12-09. Review status: criteria provided, single submitter. Criteria: Invitae Variant Classification Sherloc (09022015). Collection method: clinical testing. Allele origin: germline.
Comment: This sequence change falls in intron 2 of the TGFBR1 gene. It does not directly change the encoded amino acid sequence of the TGFBR1 protein. It affects a nucleotide within the consensus splice site. This variant is present in population databases (rs374717754, gnomAD 0.002%). This variant has not been reported in the literature in individuals affected with TGFBR1-related conditions. ClinVar contains an entry for this variant (Variation ID: 213854). Variants that disrupt the consensus splice site are a relatively common cause of aberrant splicing (PMID: 17576681, 9536098). Algorithms developed to predict the effect of sequence changes on RNA splicing suggest that this variant is not likely to affect RNA splicing. In summary, the available evidence is currently insufficient to determine the role of this variant in disease. Therefore, it has been classified as a Variant of Uncertain Significance.

GeneDx
Classification: Uncertain significance. Last evaluated: 2022-04-13. Review status: criteria provided, single submitter. Criteria: GeneDx Variant Classification Process June 2021. Collection method: clinical testing. Allele origin: germline. Affected: yes.
Comment: Has not been previously published as pathogenic or benign to our knowledge; Not observed at significant frequency in large population cohorts (gnomAD); In silico analysis supports that this variant does not alter splicing

Color Diagnostics, LLC DBA Color Health
Classification: Likely benign for Familial thoracic aortic aneurysm and aortic dissection. Last evaluated: 2020-01-29. Review status: criteria provided, single submitter. Criteria: ACMG Guidelines, 2015. Collection method: clinical testing. Allele origin: germline.

Stanford Center for Inherited Cardiovascular Disease, Stanford University
Classification: Uncertain significance. Last evaluated: 2013-03-13. Review status: criteria provided, single submitter. Criteria: ACMG Guidelines, 2015. Collection method: provider interpretation. Allele origin: germline.

Literature cited by the submitters: PubMed 17576681 (cited by Labcorp Genetics (formerly Invitae), Labcorp); PubMed 9536098 (cited by Labcorp Genetics (formerly Invitae), Labcorp).